The following is an entry in ClinVar:

ClinVar aggregate classification (germline): Uncertain significance (1 of 4 stars; one submission).

Submission:

Ambry Genetics
Classification: Uncertain significance. Last evaluated: 2026-05-31. Review status: criteria provided, single submitter. Criteria: Ambry Variant Classification Scheme 2023. Collection method: clinical testing. Allele origin: germline.
Comment: The p.V787A variant (also known as c.2360T>C), located in coding exon 5 of the CDK12 gene, results from a T to C substitution at nucleotide position 2360. The valine at codon 787 is replaced by alanine, an amino acid with similar properties. This amino acid position is conserved. In addition, this alteration is predicted to be deleterious by in silico analysis. Based on the available evidence, the clinical significance of this variant remains unclear.

NM_016507.4(CDK12):c.2360T>C (p.Val787Ala)

Gene: CDK12 (cyclin dependent kinase 12; plus strand). Cytogenetic location: 17q12.
Variant type: single nucleotide variant.
Coding change: c.2360T>C on transcript NM_016507.4 (MANE Select); coding-DNA position 2360, T replaced by C.
Protein change: p.Val787Ala; replaces valine 787 with alanine.
Molecular consequence: missense variant.
Genome position (GRCh38, 1-based): chr17:39,494,635, T>C. VCF-style: chr17-39494635-T-C. GRCh37 (hg19) VCF-style: chr17-37650888-T-C.
Other names: c.2360T>C, p.Val787Ala (NM_015083.4); short protein forms V787A.
Identifiers: ClinVar variation 4868570 (VCV004868570.1).